The following is an entry in ClinVar:

ClinVar aggregate classification (germline): Uncertain significance (1 of 4 stars; one submission).

Conditions:
3-methylglutaconic aciduria type 5. Also called: 3 alpha methylglutaconic aciduria type V; MGA 5; CARDIOMYOPATHY, DILATED, WITH ATAXIA; MGA, TYPE V. Identifiers: Orphanet 66634, MedGen C1857776, MONDO:0012435, OMIM 610198.

gnomAD v4.1: 8 of 1,613,192 alleles (0.0005%); highest among the groups gnomAD compares: Admixed American, 0.0017%; no homozygotes.

Submission:

Labcorp Genetics (formerly Invitae), Labcorp
Classification: Uncertain significance for 3-methylglutaconic aciduria type 5. Last evaluated: 2022-07-11. Review status: criteria provided, single submitter. Criteria: Invitae Variant Classification Sherloc (09022015). Collection method: clinical testing. Allele origin: germline.
Comment: In summary, the available evidence is currently insufficient to determine the role of this variant in disease. Therefore, it has been classified as a Variant of Uncertain Significance. Algorithms developed to predict the effect of missense changes on protein structure and function (SIFT, PolyPhen-2, Align-GVGD) all suggest that this variant is likely to be tolerated. ClinVar contains an entry for this variant (Variation ID: 1406083). This variant has not been reported in the literature in individuals affected with DNAJC19-related conditions. This variant is present in population databases (no rsID available, gnomAD 0.003%). This sequence change replaces asparagine, which is neutral and polar, with serine, which is neutral and polar, at codon 74 of the DNAJC19 protein (p.Asn74Ser).

NM_145261.4(DNAJC19):c.221A>G (p.Asn74Ser)

Gene: DNAJC19 (DnaJ heat shock protein family (Hsp40) member C19; minus strand). Cytogenetic location: 3q26.33.
Variant type: single nucleotide variant.
Coding change: c.221A>G on transcript NM_145261.4 (MANE Select); coding-DNA position 221, A replaced by G.
Protein change: p.Asn74Ser; replaces asparagine 74 with serine.
Molecular consequence: missense variant. On other transcripts: non-coding transcript variant (4).
Genome position (GRCh38, 1-based): chr3:180,985,985, T>C on the plus strand (A>G on the coding strand, the complement: DNAJC19 is on the minus strand). VCF-style: chr3-180985985-T-C. GRCh37 (hg19) VCF-style: chr3-180703773-T-C.
Other names: c.146A>G, p.Asn49Ser (NM_001190233.2); short protein forms N74S, N49S.
Identifiers: ClinVar variation 1406083 (VCV001406083.7), dbSNP rs1218208437, ClinGen allele CA355472352.